The following is an entry in ClinVar:

ClinVar aggregate classification (germline): Uncertain significance. Review status: criteria provided, single submitter (1 of 4 stars). 2 submissions from 2 submitters: Uncertain significance (1). 1 of the submissions does not count toward it. Last evaluated 2022-07-12.

Conditions:
Usher syndrome type 1 (USH1). Also called: RETINITIS PIGMENTOSA AND CONGENITAL DEAFNESS. Identifiers: Orphanet 231169, Orphanet 886, MedGen C1568247, MONDO:0010168, OMIM 276900.

Allele frequency attached by ClinVar (database versions not stated): gnomAD exomes below 0.00001 and 0.00001; ExAC 0.00001.

Submissions (2):

Labcorp Genetics (formerly Invitae), Labcorp
Classification: Uncertain significance. Last evaluated: 2022-07-12. Review status: criteria provided, single submitter. Criteria: Invitae Variant Classification Sherloc (09022015). Collection method: clinical testing. Allele origin: germline.
Comment: This variant has not been reported in the literature in individuals affected with CDH23-related conditions. In summary, the available evidence is currently insufficient to determine the role of this variant in disease. Therefore, it has been classified as a Variant of Uncertain Significance. Algorithms developed to predict the effect of missense changes on protein structure and function are either unavailable or do not agree on the potential impact of this missense change (SIFT: "Deleterious"; PolyPhen-2: "Not Available"; Align-GVGD: "Class C0"). ClinVar contains an entry for this variant (Variation ID: 1004582). This variant is present in population databases (rs779835256, gnomAD 0.006%). This sequence change replaces asparagine, which is neutral and polar, with serine, which is neutral and polar, at codon 2761 of the CDH23 protein (p.Asn2761Ser).

Natera, Inc.
Classification: Uncertain significance for Usher syndrome type 1. Last evaluated: 2020-05-13. Review status: no assertion criteria provided. Collection method: clinical testing. Allele origin: germline. Not counted in ClinVar's aggregate classification.

NM_022124.6(CDH23):c.8282A>G (p.Asn2761Ser)

Gene: CDH23 (cadherin related 23; plus strand). Cytogenetic location: 10q22.1.
Variant type: single nucleotide variant.
Coding change: c.8282A>G on transcript NM_022124.6 (MANE Select); coding-DNA position 8282, A replaced by G.
Protein change: p.Asn2761Ser; replaces asparagine 2761 with serine.
Molecular consequence: missense variant.
Genome position (GRCh38, 1-based): chr10:71,807,380, A>G. VCF-style: chr10-71807380-A-G. GRCh37 (hg19) VCF-style: chr10-73567137-A-G.
Other names: c.1562A>G, p.Asn521Ser (NM_001171933.1, NM_001171934.1); short protein forms N2761S, N521S.
Identifiers: ClinVar variation 1004582 (VCV001004582.9), dbSNP rs779835256, ClinGen allele CA5546594.
Genomic context (GRCh38, chr10:71,807,380, plus strand): 5'-CACCACGCGGCACCCTCGTGGGCAACGTGACAGGCGCAGTGGATGCAGATGAGGGCCCCA[A>G]CGCGATCGTGTACTACTTCATCGCAGGTGGGGCCAGACAGAGCTAGTGCCCTGATTACCC-3'
Protein context (NP_071407.4, residues 2751-2771): TGAVDADEGP[Asn2761Ser]AIVYYFIAAG